The following is an entry in ClinVar:

NM_004035.7(ACOX1):c.1592G>A (p.Cys531Tyr)

Gene: ACOX1 (acyl-CoA oxidase 1; minus strand). Cytogenetic location: 17q25.1.
Variant type: single nucleotide variant.
Coding change: c.1592G>A on transcript NM_004035.7 (MANE Select); coding-DNA position 1592, G replaced by A.
Protein change: p.Cys531Tyr; replaces cysteine 531 with tyrosine.
Molecular consequence: missense variant.
Genome position (GRCh38, 1-based): chr17:75,949,353, C>T on the plus strand (G>A on the coding strand, the complement: ACOX1 is on the minus strand). VCF-style: chr17-75949353-C-T. GRCh37 (hg19) VCF-style: chr17-73945434-C-T.
Other names: c.1478G>A, p.Cys493Tyr (NM_001185039.2); c.1592G>A, p.Cys531Tyr (NM_007292.6); short protein forms C493Y, C531Y.
Identifiers: ClinVar variation 2692450 (VCV002692450.1), dbSNP rs781295371, ClinGen allele CA8776705.

ClinVar aggregate classification (germline): Uncertain significance (1 of 4 stars; one submission).

Allele frequency attached by ClinVar (database versions not stated): gnomAD 0.00001; ExAC 0.00002.
gnomAD v4.1: 64 of 1,613,962 alleles (0.004%); highest among the groups gnomAD compares: Non-Finnish European, 0.0048%; 1 homozygote.

Submission:

Greenwood Genetic Center Diagnostic Laboratories, Greenwood Genetic Center
Classification: Uncertain significance. Last evaluated: 2023-11-08. Review status: criteria provided, single submitter. Criteria: ACMG Guidelines, 2015. Collection method: clinical testing. Allele origin: germline. Affected: yes.
Comment: PM3